The following is an entry in ClinVar:

NM_000540.3(RYR1):c.7755C>T (p.Thr2585=)

Gene: RYR1 (ryanodine receptor 1; plus strand). Cytogenetic location: 19q13.2.
Variant type: single nucleotide variant.
Coding change: c.7755C>T on transcript NM_000540.3 (MANE Select); coding-DNA position 7755, C replaced by T.
Protein change: p.Thr2585=; no amino-acid change (threonine 2585 retained).
Molecular consequence: synonymous variant.
Genome position (GRCh38, 1-based): chr19:38,502,647, C>T. VCF-style: chr19-38502647-C-T. GRCh37 (hg19) VCF-style: chr19-38993287-C-T.
Other names: c.7755C>T, p.Thr2585= (NM_001042723.2).
Identifiers: ClinVar variation 329066 (VCV000329066.16), dbSNP rs768702294, ClinGen allele CA070152.

ClinVar aggregate classification (germline): Conflicting classifications of pathogenicity. Review status: criteria provided, conflicting classifications (1 of 4 stars). 5 submissions from 4 submitters: Uncertain significance (2); Likely benign (3). Last evaluated 2026-02-01.

Conditions:
RYR1-related disorder. Also called: RYR1-related condition; RYR1-related disorders. Identifiers: MedGen CN239331.
Congenital multicore myopathy with external ophthalmoplegia (CMYO1B). Also called: MULTICORE MYOPATHY; Minicore myopathy with external ophthalmoplegia; Congenital myopathy 1B, autosomal recessive; Minicore myopathy; MULTIMINICORE DISEASE WITH EXTERNAL OPHTHALMOPLEGIA. Identifiers: Orphanet 598, Orphanet 98905, MedGen C1850674, MONDO:0009712, OMIM 255320, HP:0003789.
Malignant hyperthermia, susceptibility to, 1 (MHS1). Also called: Anesthesia related hyperthermia; Malignant hyperpyrexia; Fulminating hyperpyrexia; Pharmacogenic myopathy; RYR1-Related Malignant Hyperthermia Susceptibility; Malignant hyperthermia suceptibility 1. Identifiers: Orphanet 423, MedGen C2930980, MONDO:0007783, OMIM 145600.

Allele frequency attached by ClinVar (database versions not stated): gnomAD 0.00003.
gnomAD v4.1: 23 of 1,612,478 alleles (0.0014%); highest among the groups gnomAD compares: East Asian, 0.025%; no homozygotes.

Submissions (5):

Labcorp Genetics (formerly Invitae), Labcorp
Classification: Likely benign for RYR1-related disorder. Last evaluated: 2026-02-01. Review status: criteria provided, single submitter. Criteria: Invitae Variant Classification Sherloc (09022015). Collection method: clinical testing. Allele origin: germline.

All of Us Research Program, National Institutes of Health
Classification: Likely benign for Malignant hyperthermia, susceptibility to, 1. Last evaluated: 2023-12-18. Review status: criteria provided, single submitter. Criteria: ACMG Guidelines, 2015. Collection method: clinical testing. Allele origin: germline. Inheritance: Autosomal dominant inheritance. Observed: 4 variant alleles, 4 heterozygotes.
Comment: This study involves interpretation of variants in research participants for the purpose of population health screening. Participant phenotype was not available at the time of variant classification. Additional details can be found in publication PMID: 35346344, PMCID: PMC8962531

Color Diagnostics, LLC DBA Color Health
Classification: Likely benign for Malignant hyperthermia, susceptibility to, 1. Last evaluated: 2022-11-06. Review status: criteria provided, single submitter. Criteria: ACMG Guidelines, 2015. Collection method: clinical testing. Allele origin: germline.

Illumina Laboratory Services, Illumina
Classification: Uncertain significance for Congenital multicore myopathy with external ophthalmoplegia. Last evaluated: 2018-01-13. Review status: criteria provided, single submitter. Criteria: ICSL Variant Classification Criteria 13 December 2019. Collection method: clinical testing. Allele origin: germline.

Illumina Laboratory Services, Illumina
Classification: Uncertain significance for Malignant hyperthermia, susceptibility to, 1. Last evaluated: 2018-01-13. Review status: criteria provided, single submitter. Criteria: ICSL Variant Classification Criteria 13 December 2019. Collection method: clinical testing. Allele origin: germline.